The following is an entry in ClinVar:

NM_000785.4(CYP27B1):c.1442del (p.Glu481fs)

Gene: CYP27B1 (cytochrome P450 family 27 subfamily B member 1; minus strand). Cytogenetic location: 12q14.1.
Variant type: Deletion.
Coding change: c.1442del on transcript NM_000785.4 (MANE Select); coding-DNA position 1442, one base deleted (A; older notation c.1442delA).
Protein change: p.Glu481fs; shifts the reading frame from glutamic acid 481.
Molecular consequence: frameshift variant.
Genome position (GRCh38, 1-based): chr12:57,763,227, T deleted on the plus strand (A on the coding strand, the reverse complement: CYP27B1 is on the minus strand). VCF-style (leftmost placement, unchanged base first): chr12-57763226-CT-C. GRCh37 (hg19) VCF-style: chr12-58157009-CT-C.
Other names: short protein forms E481fs.
Identifiers: ClinVar variation 5005144 (VCV005005144.2).
Genomic context (GRCh38, chr12:57,763,226, plus strand): 5'-GATGCTCCTTTCAGGTACCAGGACAGTCCGGGTCTTGGGTCTAACTGGGGCCGCACCTGG[CT>C]CAGGCTGCACCTCAAAATGTGTTAGGATCTGGAAAGGGAAGAAGGTGAGCATTACTATGA-3'

ClinVar aggregate classification (germline): Likely pathogenic (1 of 4 stars; one submission).

Conditions:
Vitamin D-dependent rickets, type 1A. Also called: VITAMIN D HYDROXYLATION-DEFICIENT RICKETS, TYPE 1A; PDDR IA; PSEUDOVITAMIN D-DEFICIENCY RICKETS, TYPE IA. Identifiers: MedGen CN283242, MONDO:0020723, OMIM 264700.

Submission:

Juno Genomics, Hangzhou Juno Genomics, Inc
Classification: Likely pathogenic for Vitamin D-dependent rickets, type 1A. Review status: criteria provided, single submitter. Criteria: ACMG Guidelines, 2015. Collection method: clinical testing. Allele origin: germline.
Comment: Absent from controls (or at extremely low frequency if recessive) in Genome Aggregation Database.;Null variant in a gene where loss of function (LOF) is a known mechanism of disease.;For recessive disorders, detected in trans with a pathogenic variant.;Patient's phenotype or family history is highly specific for a disease with a single genetic etiology.